The following is an entry in ClinVar:

ClinVar aggregate classification (germline): Likely pathogenic. Review status: criteria provided, multiple submitters, no conflicts (2 of 4 stars). 2 submissions from 2 submitters: Likely pathogenic (2). Last evaluated 2024-02-15.

Conditions:
Hepatoencephalopathy due to combined oxidative phosphorylation defect type 1. Also called: HEPATOENCEPHALOPATHY, EARLY FATAL PROGRESSIVE. Identifiers: Orphanet 137681, MedGen C1836797, MONDO:0012191, OMIM 609060.

Submissions (2):

Fulgent Genetics
Classification: Likely pathogenic for Hepatoencephalopathy due to combined oxidative phosphorylation defect type 1. Last evaluated: 2024-02-15. Review status: criteria provided, single submitter. Criteria: ACMG Guidelines, 2015. Collection method: clinical testing. Allele origin: germline.

Labcorp Genetics (formerly Invitae), Labcorp
Classification: Likely pathogenic. Last evaluated: 2024-01-11. Review status: criteria provided, single submitter. Criteria: Invitae Variant Classification Sherloc (09022015). Collection method: clinical testing. Allele origin: germline.
Comment: This sequence change affects a donor splice site in intron 11 of the GFM1 gene. It is expected to disrupt RNA splicing. Variants that disrupt the donor or acceptor splice site typically lead to a loss of protein function (PMID: 16199547), and loss-of-function variants in GFM1 are known to be pathogenic (PMID: 16632485, 17160893). This variant is not present in population databases (gnomAD no frequency). This variant has not been reported in the literature in individuals affected with GFM1-related conditions. ClinVar contains an entry for this variant (Variation ID: 2130940). Algorithms developed to predict the effect of sequence changes on RNA splicing suggest that this variant may disrupt the consensus splice site. In summary, the currently available evidence indicates that the variant is pathogenic, but additional data are needed to prove that conclusively. Therefore, this variant has been classified as Likely Pathogenic.

Literature cited by the submitters: PubMed 16199547 (cited by Labcorp Genetics (formerly Invitae), Labcorp); PubMed 16632485 (cited by Labcorp Genetics (formerly Invitae), Labcorp); PubMed 17160893 (cited by Labcorp Genetics (formerly Invitae), Labcorp).

NM_024996.7(GFM1):c.1380+1G>A

Gene: GFM1 (G elongation factor mitochondrial 1; plus strand). Cytogenetic location: 3q25.32.
Variant type: single nucleotide variant.
Coding change: c.1380+1G>A on transcript NM_024996.7 (MANE Select); the canonical splice donor site of the intron after coding-DNA position 1380, G replaced by A.
Molecular consequence: splice donor variant.
Genome position (GRCh38, 1-based): chr3:158,662,685, G>A. VCF-style: chr3-158662685-G-A. GRCh37 (hg19) VCF-style: chr3-158380474-G-A.
Other names: c.1437+1G>A (NM_001308164.2); c.1155+1G>A (NM_001374357.1); c.1299+1G>A (NM_001374355.1); c.1263+1G>A (NM_001374356.1); c.813+1G>A (NM_001374359.1, NM_001374360.1); c.696+1G>A (NM_001374361.1); c.921+1G>A (NM_001374358.1); c.1380+1G>A (NM_001308166.2).
Identifiers: ClinVar variation 2130940 (VCV002130940.5), dbSNP rs1456835520, ClinGen allele CA355178157.